The following is an entry in ClinVar:

ClinVar aggregate classification (germline): Uncertain significance. Review status: criteria provided, multiple submitters, no conflicts (2 of 4 stars). 4 submissions from 4 submitters: Uncertain significance (4). Last evaluated 2025-10-31.

Conditions:
Noonan syndrome 9 (NS9). Identifiers: Orphanet 648, MedGen C4225282, MONDO:0014691, OMIM 616559.
Cardiovascular phenotype. Identifiers: MedGen CN230736.

gnomAD v4.1: 1 of 1,606,778 alleles (0.000062%); highest among the groups gnomAD compares: Non-Finnish European, 0.000085%; no homozygotes.

Submissions (4):

Ambry Genetics
Classification: Uncertain significance for Cardiovascular phenotype. Last evaluated: 2025-10-31. Review status: criteria provided, single submitter. Criteria: Ambry Variant Classification Scheme 2023. Collection method: clinical testing. Allele origin: germline.
Comment: The p.G182V variant (also known as c.545G>T), located in coding exon 5 of the SOS2 gene, results from a G to T substitution at nucleotide position 545. The glycine at codon 182 is replaced by valine, an amino acid with dissimilar properties. This amino acid position is highly conserved in available vertebrate species. In addition, this alteration is predicted to be deleterious by in silico analysis. Since supporting evidence is limited at this time, the clinical significance of this alteration remains unclear.

Labcorp Genetics (formerly Invitae), Labcorp
Classification: Uncertain significance for Noonan syndrome 9. Last evaluated: 2025-07-30. Review status: criteria provided, single submitter. Criteria: Invitae Variant Classification Sherloc (09022015). Collection method: clinical testing. Allele origin: germline.
Comment: This sequence change replaces glycine, which is neutral and non-polar, with valine, which is neutral and non-polar, at codon 182 of the SOS2 protein (p.Gly182Val). This variant is not present in population databases (gnomAD no frequency). This variant has not been reported in the literature in individuals affected with SOS2-related conditions. ClinVar contains an entry for this variant (Variation ID: 1184377). Invitae Evidence Modeling of protein sequence and biophysical properties (such as structural, functional, and spatial information, amino acid conservation, physicochemical variation, residue mobility, and thermodynamic stability) indicates that this missense variant is not expected to disrupt SOS2 protein function with a negative predictive value of 95%. In summary, the available evidence is currently insufficient to determine the role of this variant in disease. Therefore, it has been classified as a Variant of Uncertain Significance.

New York Genome Center
Classification: Uncertain significance for Noonan syndrome 9. Last evaluated: 2020-07-14. Review status: criteria provided, single submitter. Criteria: NYGC Assertion Criteria 2020. Collection method: clinical testing. Allele origin: germline. Observed: 1 heterozygote. Study: CSER-NYCKidSeq.

Genome-Nilou Lab
Classification: Uncertain significance for Noonan syndrome 9. Review status: criteria provided, single submitter. Criteria: ACMG Guidelines, 2015. Collection method: clinical testing. Allele origin: germline.

NM_006939.4(SOS2):c.545G>T (p.Gly182Val)

Gene: SOS2 (SOS Ras/Rho guanine nucleotide exchange factor 2; minus strand). Cytogenetic location: 14q21.3.
Variant type: single nucleotide variant.
Coding change: c.545G>T on transcript NM_006939.4 (MANE Select); coding-DNA position 545, G replaced by T.
Protein change: p.Gly182Val; replaces glycine 182 with valine.
Molecular consequence: missense variant.
Genome position (GRCh38, 1-based): chr14:50,188,666, C>A on the plus strand (G>T on the coding strand, the complement: SOS2 is on the minus strand). VCF-style: chr14-50188666-C-A. GRCh37 (hg19) VCF-style: chr14-50655384-C-A.
Other names: c.545G>T (NM_006939.2); short protein forms G182V.
Identifiers: ClinVar variation 1184377 (VCV001184377.8), dbSNP rs149487643, ClinGen allele CA389648292.